The following is an entry in ClinVar:

NM_000169.3(GLA):c.974dup (p.Lys326fs)

Genes: GLA (galactosidase alpha; minus strand), RPL36A-HNRNPH2 (RPL36A-HNRNPH2 readthrough; plus strand). Cytogenetic location: Xq22.1.
Variant type: Duplication.
Coding change: c.974dup on transcript NM_000169.3 (MANE Select); coding-DNA position 974, one base duplicated (G; older notation c.974dupG).
Protein change: p.Lys326fs; shifts the reading frame from lysine 326.
Molecular consequence: frameshift variant. On other transcripts: non-coding transcript variant (3), intron variant (2).
Genome position (GRCh38, 1-based): chrX:101,398,395, C duplicated on the plus strand (G on the coding strand, the reverse complement: GLA is on the minus strand); the first of 3 consecutive C bases (chrX:101,398,395-101,398,397); duplicating any one gives the same sequence. VCF-style (leftmost placement, unchanged base first): chrX-101398394-G-GC. GRCh37 (hg19) VCF-style: chrX-100653382-G-GC.
Other names: c.1097dup, p.Lys367fs (NM_001406747.1); c.974dup, p.Lys326fs (NM_001406748.1); c.300+2940dup (NM_001199973.2); c.177+6575dup (NM_001199974.2); short protein forms K326fs, K367fs.
Identifiers: ClinVar variation 4087033 (VCV004087033.2).

ClinVar aggregate classification (germline): Pathogenic (1 of 4 stars; one submission).

Conditions:
Fabry disease. Also called: ALPHA-GALACTOSIDASE A DEFICIENCY; ANDERSON-FABRY DISEASE; CERAMIDE TRIHEXOSIDASE DEFICIENCY; GLA DEFICIENCY; HEREDITARY DYSTOPIC LIPIDOSIS; Angiokeratoma corporis diffusum. Identifiers: Orphanet 324, MedGen C0002986, MONDO:0010526, OMIM 301500, HP:0001071. Disease mechanism: Fabry disease is due to inactivating mutations in the X-linked GLA gene resulting in deficiency of the enzyme Alpha Galactosidase-A., loss of function.

Submission:

Genomenon, Inc
Classification: Pathogenic for Fabry disease. Last evaluated: 2026-09-08. Review status: criteria provided, single submitter. Criteria: Genomenon Sequence Variant Interpretation Standards - Updated. Collection method: curation. Allele origin: germline. Affected: yes.
Comment: GLA p.Lys326GlnfsTer7 (c.974dup) is a frameshift variant that is predicted to introduce a premature termination codon and result in a truncated or absent protein product. This variant has been observed in at least one proband with clinical features consistent with Fabry disease (PMID:12428061). It is absent or not present at a significant frequency in gnomAD. In conclusion, we classify GLA p.Lys326GlnfsTer7 (c.974dup) as a pathogenic variant.

Literature cited by the submitters: PubMed 12428061.